The following is an entry in ClinVar:

ClinVar aggregate classification (germline): Uncertain significance (1 of 4 stars; one submission).

Submission:

Labcorp Genetics (formerly Invitae), Labcorp
Classification: Uncertain significance. Last evaluated: 2023-05-16. Review status: criteria provided, single submitter. Criteria: Invitae Variant Classification Sherloc (09022015). Collection method: clinical testing. Allele origin: germline.
Comment: An algorithm developed to predict the effect of missense changes on protein structure and function (PolyPhen-2) suggests that this variant is likely to be disruptive. In summary, the available evidence is currently insufficient to determine the role of this variant in disease. Therefore, it has been classified as a Variant of Uncertain Significance. This variant has not been reported in the literature in individuals affected with RELA-related conditions. This variant is not present in population databases (gnomAD no frequency). This sequence change replaces glycine, which is neutral and non-polar, with serine, which is neutral and polar, at codon 208 of the RELA protein (p.Gly208Ser).

NM_021975.4(RELA):c.622G>A (p.Gly208Ser)

Gene: RELA (RELA proto-oncogene, NF-kB subunit; minus strand). Cytogenetic location: 11q13.1.
Variant type: single nucleotide variant.
Coding change: c.622G>A on transcript NM_021975.4 (MANE Select); coding-DNA position 622, G replaced by A.
Protein change: p.Gly208Ser; replaces glycine 208 with serine.
Molecular consequence: missense variant. On other transcripts: intron variant (1).
Genome position (GRCh38, 1-based): chr11:65,658,760, C>T on the plus strand (G>A on the coding strand, the complement: RELA is on the minus strand). VCF-style: chr11-65658760-C-T. GRCh37 (hg19) VCF-style: chr11-65426231-C-T.
Other names: c.613G>A, p.Gly205Ser (NM_001145138.2); c.622G>A, p.Gly208Ser (NM_001243984.2, NM_001243985.2, NM_001404659.1); c.655G>A, p.Gly219Ser (NM_001404657.1); c.595G>A, p.Gly199Ser (NM_001404658.1); c.241G>A, p.Gly81Ser (NM_001404661.1); c.529G>A, p.Gly177Ser (NM_001404662.1, NM_001404663.1); c.559+906G>A (NM_001404660.1); short protein forms G208S, G219S, G81S, G199S, G205S, G177S.
Identifiers: ClinVar variation 2792389 (VCV002792389.3), dbSNP rs2496848762, ClinGen allele CA381391736.